The following is an entry in ClinVar:

NM_173500.4(TTBK2):c.1279C>T (p.Arg427Cys)

Gene: TTBK2 (tau tubulin kinase 2; minus strand). Cytogenetic location: 15q15.2.
Variant type: single nucleotide variant.
Coding change: c.1279C>T on transcript NM_173500.4 (MANE Select); coding-DNA position 1279, C replaced by T.
Protein change: p.Arg427Cys; replaces arginine 427 with cysteine.
Molecular consequence: missense variant.
Genome position (GRCh38, 1-based): chr15:42,777,161, G>A on the plus strand (C>T on the coding strand, the complement: TTBK2 is on the minus strand). VCF-style: chr15-42777161-G-A. GRCh37 (hg19) VCF-style: chr15-43069359-G-A.
Other names: short protein forms R427C.
Identifiers: ClinVar variation 3339559 (VCV003339559.1).

ClinVar aggregate classification (germline): Uncertain significance (1 of 4 stars; one submission).

gnomAD v4.1: 20 of 1,614,040 alleles (0.0012%); highest among the groups gnomAD compares: Middle Eastern, 0.033%; no homozygotes.

Submission:

Women's Health and Genetics/Laboratory Corporation of America, LabCorp
Classification: Uncertain significance. Last evaluated: 2024-06-13. Review status: criteria provided, single submitter. Criteria: LabCorp Variant Classification Summary - May 2015. Collection method: clinical testing. Allele origin: germline.
Comment: Variant summary: TTBK2 c.1279C>T (p.Arg427Cys) results in a non-conservative amino acid change in the encoded protein sequence. Four of five in-silico tools predict a damaging effect of the variant on protein function. The variant allele was found at a frequency of 3.6e-05 in 249324 control chromosomes. The available data on variant occurrences in the general population are insufficient to allow any conclusion about variant significance. To our knowledge, no occurrence of c.1279C>T in individuals affected with Spinocerebellar Ataxia Type 11 and no experimental evidence demonstrating its impact on protein function have been reported. No submitters have cited clinical-significance assessments for this variant to ClinVar. Based on the evidence outlined above, the variant was classified as uncertain significance.